The following is an entry in ClinVar:

NM_002206.3(ITGA7):c.455A>G (p.Gln152Arg)

Gene: ITGA7 (integrin subunit alpha 7; minus strand). Cytogenetic location: 12q13.2.
Variant type: single nucleotide variant.
Coding change: c.455A>G on transcript NM_002206.3 (MANE Select); coding-DNA position 455, A replaced by G.
Protein change: p.Gln152Arg; replaces glutamine 152 with arginine.
Molecular consequence: missense variant. On other transcripts: 5 prime UTR variant (1).
Genome position (GRCh38, 1-based): chr12:55,701,114, T>C on the plus strand (A>G on the coding strand, the complement: ITGA7 is on the minus strand). VCF-style: chr12-55701114-T-C. GRCh37 (hg19) VCF-style: chr12-56094898-T-C.
Other names: c.455A>G, p.Gln152Arg (NM_001144996.2, NM_001374465.1, NM_001410977.1 and 5 more transcripts); c.164A>G, p.Gln55Arg (NM_001144997.2); c.116A>G, p.Gln39Arg (NM_001367993.1, NM_001414035.1); c.-718A>G (NM_001367994.1); short protein forms Q152R, Q39R, Q55R.
Identifiers: ClinVar variation 1011143 (VCV001011143.8), dbSNP rs1368214112, ClinGen allele CA385192472.
Genomic context (GRCh38, chr12:55,701,114, plus strand): 5'-ATGGCCAGGTCCTGGCTGAGCACAAAGCAGCGACCAATCATATCCCGCGTCTCCAGGATC[T>C]GGTCCACTCGCTGCCTTGCCTCATATCGGTGTGCACAGGTCTGGGGGAGGAAGGGATGGG-3'
Protein context (NP_002197.2, residues 142-162): HRYEARQRVD[Gln152Arg]ILETRDMIGR

ClinVar aggregate classification (germline): Uncertain significance (1 of 4 stars; one submission).

Conditions:
Congenital muscular dystrophy due to integrin alpha-7 deficiency. Also called: Congenital muscular dystrophy with integrin alpha-7 deficiency; Muscular dystrophy, congenital, due to ITGA7 deficiency; MYOPATHY, CONGENITAL, DUE TO INTEGRIN ALPHA-7 DEFICIENCY. Identifiers: Orphanet 34520, MedGen C2750786, MONDO:0013177, OMIM 613204.

Allele frequency attached by ClinVar (database versions not stated): gnomAD exomes below 0.00001.

Submission:

Labcorp Genetics (formerly Invitae), Labcorp
Classification: Uncertain significance for Congenital muscular dystrophy due to integrin alpha-7 deficiency. Last evaluated: 2020-08-14. Review status: criteria provided, single submitter. Criteria: Invitae Variant Classification Sherloc (09022015). Collection method: clinical testing. Allele origin: germline.
Comment: In summary, the available evidence is currently insufficient to determine the role of this variant in disease. Therefore, it has been classified as a Variant of Uncertain Significance. Algorithms developed to predict the effect of missense changes on protein structure and function are either unavailable or do not agree on the potential impact of this missense change (SIFT: "Tolerated"; PolyPhen-2: "Possibly Damaging"; Align-GVGD: "Class C0"). This variant has not been reported in the literature in individuals with ITGA7-related conditions. This variant is not present in population databases (ExAC no frequency). This sequence change replaces glutamine with arginine at codon 152 of the ITGA7 protein (p.Gln152Arg). The glutamine residue is moderately conserved and there is a small physicochemical difference between glutamine and arginine.